The following is an entry in ClinVar:

ClinVar aggregate classification (germline): Conflicting classifications of pathogenicity. Review status: criteria provided, conflicting classifications (1 of 4 stars). 2 submissions from 2 submitters: Uncertain significance (1); Likely benign (1). Last evaluated 2025-04-10.

Conditions:
Inborn genetic diseases. Identifiers: MedGen C0950123, MeSH D030342.

gnomAD v4.1: 179 of 1,614,134 alleles (0.011%); highest among the groups gnomAD compares: African/African-American, 0.19%; no homozygotes.

Submissions (2):

Ambry Genetics
Classification: Likely benign for Inborn genetic diseases. Last evaluated: 2025-04-10. Review status: criteria provided, single submitter. Criteria: Ambry Variant Classification Scheme 2023. Collection method: clinical testing. Allele origin: germline.

GeneDx
Classification: Uncertain significance. Last evaluated: 2024-04-21. Review status: criteria provided, single submitter. Criteria: GeneDx Variant Classification Process June 2021. Collection method: clinical testing. Allele origin: germline. Affected: yes.
Comment: In silico analysis indicates that this missense variant does not alter protein structure/function; Has not been previously published as pathogenic or benign to our knowledge

NM_014865.4(NCAPD2):c.4004A>G (p.Asn1335Ser)

Gene: NCAPD2 (non-SMC condensin I complex subunit D2; plus strand). Cytogenetic location: 12p13.31.
Variant type: single nucleotide variant.
Coding change: c.4004A>G on transcript NM_014865.4 (MANE Select); coding-DNA position 4004, A replaced by G.
Protein change: p.Asn1335Ser; replaces asparagine 1335 with serine.
Molecular consequence: missense variant.
Genome position (GRCh38, 1-based): chr12:6,530,960, A>G. VCF-style: chr12-6530960-A-G. GRCh37 (hg19) VCF-style: chr12-6640126-A-G.
Other names: short protein forms N1335S.
Identifiers: ClinVar variation 3365458 (VCV003365458.2).
Genomic context (GRCh38, chr12:6,530,960, plus strand): 5'-ACGTTTTCCTGCCTTTTCTAGGTTCTAGGTACCAGCCTCTGGCTTCTACAGCCTCAGACA[A>G]TGACTTTGTCACACCAGAGCCCCGCCGTACTACCCGTCGGCATCCAAACACCCAGCAGCG-3'
Protein context (NP_055680.3, residues 1325-1345): YQPLASTASD[Asn1335Ser]DFVTPEPRRT